The following is an entry in ClinVar:

ClinVar aggregate classification (germline): Uncertain significance. Review status: criteria provided, multiple submitters, no conflicts (2 of 4 stars). 2 submissions from 2 submitters: Uncertain significance (2). Last evaluated 2024-01-22.

Conditions:
Cardiomyopathy (CMYO). Also called: Cardiomyopathies. Identifiers: Orphanet 167848, MedGen C0878544, MONDO:0004994, HP:0001638. Inheritance: Various modes of inheritance.
Cardiovascular phenotype. Identifiers: MedGen CN230736.

Allele frequency attached by ClinVar (database versions not stated): gnomAD 0.00001.
gnomAD v4.1: 9 of 1,614,028 alleles (0.00056%); highest among the groups gnomAD compares: African/African-American, 0.0013%; no homozygotes.

Submissions (2):

Color Diagnostics, LLC DBA Color Health
Classification: Uncertain significance for Cardiomyopathy. Last evaluated: 2024-01-22. Review status: criteria provided, single submitter. Criteria: ACMG Guidelines, 2015. Collection method: clinical testing. Allele origin: germline.
Comment: This missense variant replaces aspartic acid with histidine at codon 521 of the DSP protein. Computational prediction suggests that this variant may not impact protein structure and function (internally defined REVEL score threshold <= 0.5, PMID: 27666373). To our knowledge, functional studies have not been reported for this variant. This variant has not been reported in individuals affected with DSP-related disorders in the literature. This variant has not been identified in the general population by the Genome Aggregation Database (gnomAD). The available evidence is insufficient to determine the role of this variant in disease conclusively. Therefore, this variant is classified as a Variant of Uncertain Significance.

Ambry Genetics
Classification: Uncertain significance for Cardiovascular phenotype. Last evaluated: 2022-05-24. Review status: criteria provided, single submitter. Criteria: Ambry Variant Classification Scheme 2023. Collection method: clinical testing. Allele origin: germline.
Comment: The p.D521H variant (also known as c.1561G>C), located in coding exon 12 of the DSP gene, results from a G to C substitution at nucleotide position 1561. The aspartic acid at codon 521 is replaced by histidine, an amino acid with similar properties. This amino acid position is conserved. In addition, the in silico prediction for this alteration is inconclusive. Since supporting evidence is limited at this time, the clinical significance of this alteration remains unclear.

NM_004415.4(DSP):c.1561G>C (p.Asp521His)

Gene: DSP (desmoplakin; plus strand). Cytogenetic location: 6p24.3.
Variant type: single nucleotide variant.
Coding change: c.1561G>C on transcript NM_004415.4 (MANE Select); coding-DNA position 1561, G replaced by C.
Protein change: p.Asp521His; replaces aspartic acid 521 with histidine.
Molecular consequence: missense variant.
Genome position (GRCh38, 1-based): chr6:7,569,327, G>C. VCF-style: chr6-7569327-G-C. GRCh37 (hg19) VCF-style: chr6-7569560-G-C.
Other names: c.1561G>C, p.Asp521His (NM_001008844.3, NM_001319034.2); short protein forms D521H.
Identifiers: ClinVar variation 1775277 (VCV001775277.3), dbSNP rs1449447405, ClinGen allele CA362677839.